The following is an entry in ClinVar:

NM_000059.4(BRCA2):c.5374del (p.Ser1792fs)

Gene: BRCA2 (BRCA2 DNA repair associated; plus strand). Cytogenetic location: 13q13.1.
Variant type: Deletion.
Coding change: c.5374del on transcript NM_000059.4 (MANE Select); coding-DNA position 5374, one base deleted (T; older notation c.5374delT).
Protein change: p.Ser1792fs; shifts the reading frame from serine 1792.
Molecular consequence: frameshift variant.
Genome position (GRCh38, 1-based): chr13:32,339,729, T deleted. VCF-style (leftmost placement, unchanged base first): chr13-32339728-AT-A. GRCh37 (hg19) VCF-style: chr13-32913865-AT-A.
Other names: c.5374delT, p.Ser1792Profs (NM_001406719.1, NM_001406720.1); short protein forms S1792fs.
Identifiers: ClinVar variation 1747114 (VCV001747114.2), dbSNP rs2548530655, ClinGen allele CA2580087359.

ClinVar aggregate classification (germline): Pathogenic (1 of 4 stars; one submission).

Conditions:
Hereditary cancer-predisposing syndrome. Also called: Hereditary Cancer Syndrome; Neoplastic Syndromes, Hereditary; Tumor predisposition; Hereditary neoplastic syndrome. Identifiers: Orphanet 140162, MedGen C0027672, MeSH D009386, MONDO:0015356.

Submission:

Ambry Genetics
Classification: Pathogenic for Hereditary cancer-predisposing syndrome. Last evaluated: 2020-10-28. Review status: criteria provided, single submitter. Criteria: Ambry Variant Classification Scheme 2023. Collection method: clinical testing. Allele origin: germline.
Comment: The c.5374delT pathogenic mutation, located in coding exon 10 of the BRCA2 gene, results from a deletion of one nucleotide at nucleotide position 5374, causing a translational frameshift with a predicted alternate stop codon (p.S1792Pfs*3). This alteration is expected to result in loss of function by premature protein truncation or nonsense-mediated mRNA decay. As such, this alteration is interpreted as a disease-causing mutation.